The following is an entry in ClinVar:

ClinVar aggregate classification (germline): Uncertain significance (1 of 4 stars; one submission).

Submission:

CeGaT Center for Human Genetics Tuebingen
Classification: Uncertain significance. Last evaluated: 2023-05-01. Review status: criteria provided, single submitter. Criteria: CeGaT Center For Human Genetics Tuebingen Variant Classification Criteria Version 2. Collection method: clinical testing. Allele origin: germline. Affected: yes. Observed: 1 variant allele.
Comment: ASXL3: PM2

NM_030632.3(ASXL3):c.5260C>A (p.Leu1754Ile)

Gene: ASXL3 (ASXL transcriptional regulator 3; plus strand). Cytogenetic location: 18q12.1.
Variant type: single nucleotide variant.
Coding change: c.5260C>A on transcript NM_030632.3 (MANE Select); coding-DNA position 5260, C replaced by A.
Protein change: p.Leu1754Ile; replaces leucine 1754 with isoleucine.
Molecular consequence: missense variant.
Genome position (GRCh38, 1-based): chr18:33,745,108, C>A. VCF-style: chr18-33745108-C-A. GRCh37 (hg19) VCF-style: chr18-31325072-C-A.
Other names: short protein forms L1754I.
Identifiers: ClinVar variation 2648660 (VCV002648660.24), dbSNP rs2510931204, ClinGen allele CA402193570.
Genomic context (GRCh38, chr18:33,745,108, plus strand): 5'-GGGAGCTCAGGCTGTCGTCTGTCCTCTGTGGAGGCTAACAATCCGCTGGTGACGCAGTTA[C>A]TACAGGGCAACCTGCCTTTGGAAAAAGTGTTGCCACAGCCCAGATTGGGAGCCAAGCTTG-3'
Protein context (NP_085135.1, residues 1744-1764): EANNPLVTQL[Leu1754Ile]QGNLPLEKVL